The following is an entry in ClinVar:

ClinVar aggregate classification (germline): Benign/Likely benign. Review status: criteria provided, multiple submitters, no conflicts (2 of 4 stars). 3 submissions from 3 submitters: Benign (1); Likely benign (2). Last evaluated 2026-01-15.

Conditions:
Epileptic encephalopathy. Identifiers: MedGen C0543888, HP:0200134.

Allele frequency attached by ClinVar (database versions not stated): 1000 Genomes Project 0.00040; 1000 Genomes Project 30x 0.00062; gnomAD 0.00171 and 0.00180; gnomAD exomes 0.00188 and 0.00283; TOPMed 0.00190; ExAC 0.00197; ESP Exome Variant Server 0.00340.
gnomAD v4.1: 4,352 of 1,612,820 alleles (0.27%); highest among the groups gnomAD compares: Non-Finnish European, 0.34%; 11 homozygotes.

Submissions (3):

Labcorp Genetics (formerly Invitae), Labcorp
Classification: Benign for Epileptic encephalopathy. Last evaluated: 2026-01-15. Review status: criteria provided, single submitter. Criteria: Invitae Variant Classification Sherloc (09022015). Collection method: clinical testing. Allele origin: germline.

Blueprint Genetics
Classification: Likely benign. Last evaluated: 2024-11-27. Review status: criteria provided, single submitter. Criteria: ACMG Guidelines, 2015. Collection method: clinical testing. Allele origin: germline.

CeGaT Center for Human Genetics Tuebingen
Classification: Likely benign. Last evaluated: 2023-07-01. Review status: criteria provided, single submitter. Criteria: CeGaT Center For Human Genetics Tuebingen Variant Classification Criteria Version 2. Collection method: clinical testing. Allele origin: germline. Affected: yes. Observed: 2 variant alleles.
Comment: RYR3: BP4, BP7

NM_001036.6(RYR3):c.4821T>C (p.Tyr1607=)

Gene: RYR3 (ryanodine receptor 3; plus strand). Cytogenetic location: 15q14.
Variant type: single nucleotide variant.
Coding change: c.4821T>C on transcript NM_001036.6 (MANE Select); coding-DNA position 4821, T replaced by C.
Protein change: p.Tyr1607=; no amino-acid change (tyrosine 1607 retained).
Molecular consequence: synonymous variant.
Genome position (GRCh38, 1-based): chr15:33,662,351, T>C. VCF-style: chr15-33662351-T-C. GRCh37 (hg19) VCF-style: chr15-33954552-T-C.
Other names: c.4821T>C, p.Tyr1607= (NM_001243996.4).
Identifiers: ClinVar variation 461919 (VCV000461919.35), dbSNP rs200740143, ClinGen allele CA7459121.